The following is an entry in ClinVar:

NM_000053.4(ATP7B):c.3848C>T (p.Ala1283Val)

Gene: ATP7B (ATPase copper transporting beta; minus strand). Cytogenetic location: 13q14.3.
Variant type: single nucleotide variant.
Coding change: c.3848C>T on transcript NM_000053.4 (MANE Select); coding-DNA position 3848, C replaced by T.
Protein change: p.Ala1283Val; replaces alanine 1283 with valine.
Molecular consequence: missense variant. On other transcripts: intron variant (1).
Genome position (GRCh38, 1-based): chr13:51,937,531, G>A on the plus strand (C>T on the coding strand, the complement: ATP7B is on the minus strand). VCF-style: chr13-51937531-G-A. GRCh37 (hg19) VCF-style: chr13-52511667-G-A.
Other names: c.3227C>T, p.Ala1076Val (NM_001005918.3); c.3515C>T, p.Ala1172Val (NM_001243182.2); c.3614C>T, p.Ala1205Val (NM_001330578.2, NM_001406527.1, NM_001406528.1); c.3596C>T, p.Ala1199Val (NM_001330579.2, NM_001406531.1, NM_001406532.1); c.3848C>T, p.Ala1283Val (NM_001406511.1, NM_001406512.1); c.3842C>T, p.Ala1281Val (NM_001406513.1); c.3815C>T, p.Ala1272Val (NM_001406514.1); c.3794C>T, p.Ala1265Val (NM_001406515.1, NM_001406516.1); and 21 more; short protein forms A1002V, A1056V, A1067V, A1076V, A1089V, A1119V, A1121V, A1134V.
Identifiers: ClinVar variation 4535520 (VCV004535520.1).

ClinVar aggregate classification (germline): Uncertain significance (1 of 4 stars; one submission).

Submission:

Women's Health and Genetics/Laboratory Corporation of America, LabCorp
Classification: Uncertain significance. Last evaluated: 2025-09-15. Review status: criteria provided, single submitter. Criteria: LabCorp Variant Classification Summary - May 2015. Collection method: clinical testing. Allele origin: germline.
Comment: Variant summary: ATP7B c.3848C>T (p.Ala1283Val) results in a non-conservative amino acid change in the encoded protein sequence. Algorithms developed to predict the effect of missense changes on protein structure and function all suggest that this variant is likely to be disruptive. The variant was absent in 249568 control chromosomes. c.3848C>T has been observed in individuals affected with Wilson Disease (example: Wang_2022, Zhang_2022). These data indicate that the variant may be associated with disease. To our knowledge, no experimental evidence demonstrating an impact on protein function has been reported. The following publications have been ascertained in the context of this evaluation (PMID: 27022412, 34470610, 35257483, 39178787, 35220961). No submitters have cited clinical-significance assessments for this variant to ClinVar. Based on the evidence outlined above, the variant was classified as VUS-possibly pathogenic.

Literature cited by the submitters: PubMed 27022412; PubMed 34470610; PubMed 35257483; PubMed 35220961; PubMed 39178787.